The following is an entry in ClinVar:

NM_182914.3(SYNE2):c.6907G>A (p.Asp2303Asn)

Gene: SYNE2 (spectrin repeat containing nuclear envelope protein 2; plus strand). Cytogenetic location: 14q23.2.
Variant type: single nucleotide variant.
Coding change: c.6907G>A on transcript NM_182914.3 (MANE Select); coding-DNA position 6907, G replaced by A.
Protein change: p.Asp2303Asn; replaces aspartic acid 2303 with asparagine.
Molecular consequence: missense variant.
Genome position (GRCh38, 1-based): chr14:64,031,043, G>A. VCF-style: chr14-64031043-G-A. GRCh37 (hg19) VCF-style: chr14-64497761-G-A.
Other names: c.6907G>A, p.Asp2303Asn (NM_015180.6); short protein forms D2303N.
Identifiers: ClinVar variation 861330 (VCV000861330.9), dbSNP rs2097030466, ClinGen allele CA389951925.
Genomic context (GRCh38, chr14:64,031,043, plus strand): 5'-ATGGAGATATAACAATCTTTTCTCCACTCGTAGGAACTAGAGAATAGACTCAGTTTACAA[G>A]ATGGCACATTAAAGAAGATTTTAGCTTTAGCAAAATCCGTCAAGCAAAATACATCTTCAG-3'
Protein context (NP_878918.2, residues 2293-2313): QELENRLSLQ[Asp2303Asn]GTLKKILALA

ClinVar aggregate classification (germline): Uncertain significance (1 of 4 stars; one submission).

Conditions:
Emery-Dreifuss muscular dystrophy 5, autosomal dominant (EDMD5). Also called: EMERY-DREIFUSS MUSCULAR DYSTROPHY 5. Identifiers: Orphanet 261, MedGen C2751805, MONDO:0013072, OMIM 612999.

Allele frequency attached by ClinVar (database versions not stated): gnomAD exomes below 0.00001.
gnomAD v4.1: 2 of 1,613,974 alleles (0.00012%); highest among the groups gnomAD compares: South Asian, 0.0022%; no homozygotes.

Submission:

Labcorp Genetics (formerly Invitae), Labcorp
Classification: Uncertain significance for Emery-Dreifuss muscular dystrophy 5, autosomal dominant. Last evaluated: 2019-12-11. Review status: criteria provided, single submitter. Criteria: Invitae Variant Classification Sherloc (09022015). Collection method: clinical testing. Allele origin: germline.
Comment: Algorithms developed to predict the effect of missense changes on protein structure and function are either unavailable or do not agree on the potential impact of this missense change (SIFT: "Tolerated"; PolyPhen-2: "Possibly Damaging"; Align-GVGD: "Class C0"). This variant has not been reported in the literature in individuals with SYNE2-related conditions. This variant is not present in population databases (ExAC no frequency). This sequence change replaces aspartic acid with asparagine at codon 2303 of the SYNE2 protein (p.Asp2303Asn). The aspartic acid residue is weakly conserved and there is a small physicochemical difference between aspartic acid and asparagine. In summary, the available evidence is currently insufficient to determine the role of this variant in disease. Therefore, it has been classified as a Variant of Uncertain Significance.